The following is an entry in ClinVar:

ClinVar aggregate classification (germline): Uncertain significance. Review status: criteria provided, multiple submitters, no conflicts (2 of 4 stars). 4 submissions from 4 submitters: Uncertain significance (4). Last evaluated 2023-08-24.

Conditions:
Nephronophthisis 15 (NPHP15). Identifiers: Orphanet 3156, MedGen C3541853, MONDO:0013917, OMIM 614845.
Inborn genetic diseases. Identifiers: MedGen C0950123, MeSH D030342.

Allele frequency attached by ClinVar (database versions not stated): gnomAD 0.00001; TOPMed 0.00003; ExAC 0.00004; gnomAD exomes 0.00005 and 0.00016.
gnomAD v4.1: 235 of 1,607,746 alleles (0.015%); highest among the groups gnomAD compares: Non-Finnish European, 0.02%; no homozygotes.

Submissions (4):

Blueprint Genetics
Classification: Uncertain significance. Last evaluated: 2023-08-24. Review status: criteria provided, single submitter. Criteria: ACMG Guidelines, 2015. Collection method: clinical testing. Allele origin: germline.

Ambry Genetics
Classification: Uncertain significance for Inborn genetic diseases. Last evaluated: 2022-12-15. Review status: criteria provided, single submitter. Criteria: Ambry Variant Classification Scheme 2023. Collection method: clinical testing. Allele origin: germline.

Labcorp Genetics (formerly Invitae), Labcorp
Classification: Uncertain significance for Nephronophthisis 15. Last evaluated: 2022-05-25. Review status: criteria provided, single submitter. Criteria: Invitae Variant Classification Sherloc (09022015). Collection method: clinical testing. Allele origin: germline.
Comment: This sequence change replaces alanine, which is neutral and non-polar, with threonine, which is neutral and polar, at codon 1319 of the CEP164 protein (p.Ala1319Thr). This variant is present in population databases (rs769207410, gnomAD 0.01%). This variant has not been reported in the literature in individuals affected with CEP164-related conditions. Algorithms developed to predict the effect of missense changes on protein structure and function output the following: SIFT: "Tolerated"; PolyPhen-2: "Benign"; Align-GVGD: "Class C0". The threonine amino acid residue is found in multiple mammalian species, which suggests that this missense change does not adversely affect protein function. In summary, the available evidence is currently insufficient to determine the role of this variant in disease. Therefore, it has been classified as a Variant of Uncertain Significance.

Fulgent Genetics
Classification: Uncertain significance for Nephronophthisis 15. Last evaluated: 2021-11-04. Review status: criteria provided, single submitter. Criteria: ACMG Guidelines, 2015. Collection method: clinical testing. Allele origin: unknown.

NM_014956.5(CEP164):c.3955G>A (p.Ala1319Thr)

Gene: CEP164 (centrosomal protein 164; plus strand). Cytogenetic location: 11q23.3.
Variant type: single nucleotide variant.
Coding change: c.3955G>A on transcript NM_014956.5 (MANE Select); coding-DNA position 3955, G replaced by A.
Protein change: p.Ala1319Thr; replaces alanine 1319 with threonine.
Molecular consequence: missense variant.
Genome position (GRCh38, 1-based): chr11:117,409,824, G>A. VCF-style: chr11-117409824-G-A. GRCh37 (hg19) VCF-style: chr11-117280540-G-A.
Other names: c.3940G>A, p.Ala1314Thr (NM_001271933.2); c.3955G>A (NM_014956.4); short protein forms A1319T, A1314T.
Identifiers: ClinVar variation 1394277 (VCV001394277.8), dbSNP rs769207410, ClinGen allele CA6295631.